The following is an entry in ClinVar:

ClinVar aggregate classification (germline): Pathogenic/Likely pathogenic. Review status: criteria provided, multiple submitters, no conflicts (2 of 4 stars). 4 submissions from 4 submitters: Pathogenic (1); Likely pathogenic (3). Last evaluated 2024-03-04.

Conditions:
Marfan syndrome (MFS). Also called: FBN1-Related Marfan Syndrome; Marfan syndrome type 1; Marfan's syndrome; Marfan syndrome, classic; MARFAN SYNDROME, TYPE I. Identifiers: Orphanet 284963, Orphanet 558, MedGen C0024796, MONDO:0007947, OMIM 154700.
Familial thoracic aortic aneurysm and aortic dissection (TAAD). Also called: Thoracic aortic aneurysms and dissections. Identifiers: Orphanet 91387, MedGen C4707243, MONDO:0019625.

Submissions (4):

Labcorp Genetics (formerly Invitae), Labcorp
Classification: Pathogenic for Marfan syndrome; Familial thoracic aortic aneurysm and aortic dissection. Last evaluated: 2024-03-04. Review status: criteria provided, single submitter. Criteria: Invitae Variant Classification Sherloc (09022015). Collection method: clinical testing. Allele origin: germline.
Comment: This sequence change replaces tyrosine, which is neutral and polar, with cysteine, which is neutral and slightly polar, at codon 2596 of the FBN1 protein (p.Tyr2596Cys). This variant is not present in population databases (gnomAD no frequency). This missense change has been observed in individual(s) with Marfan syndrome and/or thoracic aortic aneurysm and dissection (PMID: 25907466; Invitae). ClinVar contains an entry for this variant (Variation ID: 618118). Advanced modeling of protein sequence and biophysical properties (such as structural, functional, and spatial information, amino acid conservation, physicochemical variation, residue mobility, and thermodynamic stability) performed at Invitae indicates that this missense variant is expected to disrupt FBN1 protein function with a positive predictive value of 95%. For these reasons, this variant has been classified as Pathogenic.

GeneDx
Classification: Likely pathogenic. Last evaluated: 2022-12-06. Review status: criteria provided, single submitter. Criteria: GeneDx Variant Classification Process June 2021. Collection method: clinical testing. Allele origin: germline. Affected: yes.
Comment: Not observed at significant frequency in large population cohorts (gnomAD); Introduces a new cysteine residue within a calcium-binding EGF-like domain of the FBN1 gene, which may affect disulfide bonding and is predicted to alter the structure and function of the protein; cysteine substitutions in the calcium-binding EGF-like domains represent the majority of pathogenic missense changes associated with FBN1-related disorders (Collod-Beroud et al., 2003); In silico analysis supports that this missense variant has a deleterious effect on protein structure/function; This variant is associated with the following publications: (PMID: 10486319, 25907466)

Centre of Medical Genetics, University of Antwerp
Classification: Likely pathogenic for Marfan syndrome. Last evaluated: 2021-03-01. Review status: criteria provided, single submitter. Criteria: Submitter's publication. Collection method: research. Allele origin: unknown. Affected: yes.
Comment: PM2, PS5, PP4

ARUP Laboratories, Molecular Genetics and Genomics, ARUP Laboratories
Classification: Likely pathogenic. Last evaluated: 2017-06-09. Review status: criteria provided, single submitter. Criteria: ARUP Molecular Germline Variant Investigation Process. Collection method: clinical testing. Allele origin: germline.
Comment: The FBN1 c.7787A>G;p.Tyr2596Cys variant has been published in at least one individual that met diagnostic criteria for Marfan syndrome (Proost 2015). The variant has not been described in the ClinVar database, the dbSNP variant database, or in the general population-based databases. The amino acid at this position is well conserved across species and computational algorithms (PolyPhen2, SIFT) predict this variant is deleterious. Additionally, this variant occurs in one of the EGF-like domains of fibrillin-1 (Wu 1995). Each EGF-like domain contains six highly-conserved cysteines and the disulfide bridges formed between these residues are essential for protein folding; creation of a novel cysteine may interfere with proper disulfide bridge formation, disrupting protein structure. Accordingly, the revised Ghent nosology for Marfan syndrome lists creation of cysteine residues as one of the criteria for classification of a variant as pathogenic (Loeys 2010). Considering available information, this variant is classified as likely pathogenic. References: Loeys et al. The revised Ghent nosology for the Marfan syndrome. J. Med. Genet. 2010 47(7): 476-85. Proost D et al. Performant Mutation Identification Using Targeted Next-Generation Sequencing of 14 Thoracic Aortic Aneurysm Genes. Hum Mutat. 2015 Aug;36(8):808-14. Wu et al. Fibrillin domain folding and calcium binding: significance to Marfan syndrome. Chem. Biol. 1995 2(2):91-7.

Literature cited by the submitters: PubMed 25907466 (cited by Labcorp Genetics (formerly Invitae), Labcorp).

NM_000138.5(FBN1):c.7787A>G (p.Tyr2596Cys)

Gene: FBN1 (fibrillin 1; minus strand). Cytogenetic location: 15q21.1.
Variant type: single nucleotide variant.
Coding change: c.7787A>G on transcript NM_000138.5 (MANE Select); coding-DNA position 7787, A replaced by G.
Protein change: p.Tyr2596Cys; replaces tyrosine 2596 with cysteine.
Molecular consequence: missense variant.
Genome position (GRCh38, 1-based): chr15:48,420,719, T>C on the plus strand (A>G on the coding strand, the complement: FBN1 is on the minus strand). VCF-style: chr15-48420719-T-C. GRCh37 (hg19) VCF-style: chr15-48712916-T-C.
Other names: short protein forms Y2596C.
Identifiers: ClinVar variation 618118 (VCV000618118.30), dbSNP rs1566891404, ClinGen allele CA392324553.